The following is an entry in ClinVar:

ClinVar aggregate classification (germline): Likely benign (1 of 4 stars; one submission).

Submission:

CeGaT Center for Human Genetics Tuebingen
Classification: Likely benign. Last evaluated: 2026-05-01. Review status: criteria provided, single submitter. Criteria: CeGaT Center For Human Genetics Tuebingen Variant Classification Criteria Version 2. Collection method: clinical testing. Allele origin: germline. Affected: yes. Observed: 1 variant allele.
Comment: MAN2B1: PM2:Supporting, BP4, BP7

NM_000528.4(MAN2B1):c.744G>T (p.Pro248=)

Gene: MAN2B1 (mannosidase alpha class 2B member 1; minus strand). Cytogenetic location: 19p13.13.
Variant type: single nucleotide variant.
Coding change: c.744G>T on transcript NM_000528.4 (MANE Select); coding-DNA position 744, G replaced by T.
Protein change: p.Pro248=; no amino-acid change (proline 248 retained).
Molecular consequence: synonymous variant.
Genome position (GRCh38, 1-based): chr19:12,663,722, C>A on the plus strand (G>T on the coding strand, the complement: MAN2B1 is on the minus strand). VCF-style: chr19-12663722-C-A. GRCh37 (hg19) VCF-style: chr19-12774536-C-A.
Other names: c.744G>T, p.Pro248= (NM_001173498.2, NM_001440570.1).
Identifiers: ClinVar variation 4873598 (VCV004873598.2).
Genomic context (GRCh38, chr19:12,663,722, plus strand): 5'-TGTGGCACCATGGCTGGCCCTGCCCTCACCAAGCCCCCTACCAGTGAAGAGGTCCGCGGT[C>A]GGGGGCTTCAGGCTGGTGCTGGCCCGCCACACCTGCTCCATCTCCAGCTTCTGCATCCGT-3'
Protein context (NP_000519.2, residues 238-258): VWRASTSLKP[Pro248=]TADLFTGVLP